The following is an entry in ClinVar:

NM_001282225.2(ADA2):c.753+4324T>C

Gene: ADA2 (adenosine deaminase 2; minus strand). Cytogenetic location: 22q11.1.
Variant type: single nucleotide variant.
Coding change: c.753+4324T>C on transcript NM_001282225.2 (MANE Select); 4324 bases into the intron after coding-DNA position 753, T replaced by C.
Molecular consequence: intron variant.
Genome position (GRCh38, 1-based): chr22:17,199,239, A>G on the plus strand (T>C on the coding strand, the complement: ADA2 is on the minus strand). VCF-style: chr22-17199239-A-G. GRCh37 (hg19) VCF-style: chr22-17680129-A-G.
Other names: c.627+4324T>C (NM_001282227.2, NM_001282228.2); c.393+4324T>C (NM_001282229.2); c.753+4324T>C (NM_001282226.2); c.30+310T>C (NM_177405.3).
Identifiers: ClinVar variation 3026558 (VCV003026558.22), dbSNP rs191714514, ClinGen allele CA321159627.

ClinVar aggregate classification (germline): Benign (1 of 4 stars; one submission).

Allele frequency attached by ClinVar (database versions not stated): gnomAD 0.00422; TOPMed 0.00445; 1000 Genomes Project 0.00479; 1000 Genomes Project 30x 0.00578.
gnomAD v4.1: 637 of 152,004 alleles (0.42%); highest among the groups gnomAD compares: African/African-American, 1.5%; 4 homozygotes.

Submission:

CeGaT Center for Human Genetics Tuebingen
Classification: Benign. Last evaluated: 2024-10-01. Review status: criteria provided, single submitter. Criteria: CeGaT Center For Human Genetics Tuebingen Variant Classification Criteria Version 2. Collection method: clinical testing. Allele origin: germline. Affected: yes. Observed: 2 variant alleles.
Comment: ADA2: BS1, BS2